The following is an entry in ClinVar:

NM_016247.4(IMPG2):c.1276_1277insC (p.Glu426fs)

Gene: IMPG2 (interphotoreceptor matrix proteoglycan 2; minus strand). Cytogenetic location: 3q12.3.
Variant type: Insertion.
Coding change: c.1276_1277insC on transcript NM_016247.4 (MANE Select); coding-DNA positions 1276 to 1277, C inserted.
Protein change: p.Glu426fs; shifts the reading frame from glutamic acid 426.
Molecular consequence: frameshift variant.
Genome position: GRCh38 VCF-style: chr3-101246068-T-TG. GRCh37 (hg19) VCF-style: chr3-100964912-T-TG.
Other names: short protein forms E426fs.
Identifiers: ClinVar variation 953232 (VCV000953232.7), dbSNP rs1706474271, ClinGen allele CA1139658211.

ClinVar aggregate classification (germline): Pathogenic (1 of 4 stars; one submission).

Allele frequency attached by ClinVar (database versions not stated): gnomAD exomes below 0.00001.

Submission:

Labcorp Genetics (formerly Invitae), Labcorp
Classification: Pathogenic. Last evaluated: 2025-07-03. Review status: criteria provided, single submitter. Criteria: Invitae Variant Classification Sherloc (09022015). Collection method: clinical testing. Allele origin: germline.
Comment: This sequence change creates a premature translational stop signal (p.Glu426Alafs*11) in the IMPG2 gene. It is expected to result in an absent or disrupted protein product. Loss-of-function variants in IMPG2 are known to be pathogenic (PMID: 20673862). This variant is not present in population databases (gnomAD no frequency). This variant has not been reported in the literature in individuals affected with IMPG2-related conditions. ClinVar contains an entry for this variant (Variation ID: 953232). Algorithms developed to predict the effect of sequence changes on RNA splicing suggest that this variant may disrupt the consensus splice site. For these reasons, this variant has been classified as Pathogenic.

Literature cited by the submitters: PubMed 20673862.